The following is an entry in ClinVar:

ClinVar aggregate classification (germline): Uncertain significance (1 of 4 stars; one submission).

Allele frequency attached by ClinVar (database versions not stated): gnomAD exomes below 0.00001 and 0.00001; TOPMed below 0.00001; ExAC 0.00001; ESP Exome Variant Server 0.00008.
gnomAD v4.1: 3 of 1,613,500 alleles (0.00019%); highest among the groups gnomAD compares: Admixed American, 0.0017%; no homozygotes.

Submission:

Labcorp Genetics (formerly Invitae), Labcorp
Classification: Uncertain significance. Last evaluated: 2022-01-03. Review status: criteria provided, single submitter. Criteria: Invitae Variant Classification Sherloc (09022015). Collection method: clinical testing. Allele origin: germline.
Comment: In summary, the available evidence is currently insufficient to determine the role of this variant in disease. Therefore, it has been classified as a Variant of Uncertain Significance. Algorithms developed to predict the effect of missense changes on protein structure and function (SIFT, PolyPhen-2, Align-GVGD) all suggest that this variant is likely to be tolerated. This variant has not been reported in the literature in individuals affected with MME-related conditions. This variant is present in population databases (rs373479159, gnomAD 0.003%). This sequence change replaces alanine, which is neutral and non-polar, with threonine, which is neutral and polar, at codon 612 of the MME protein (p.Ala612Thr).

NM_007289.4(MME):c.1834G>A (p.Ala612Thr)

Gene: MME (membrane metalloendopeptidase; plus strand). Cytogenetic location: 3q25.2.
Variant type: single nucleotide variant.
Coding change: c.1834G>A on transcript NM_007289.4 (MANE Select); coding-DNA position 1834, G replaced by A.
Protein change: p.Ala612Thr; replaces alanine 612 with threonine.
Molecular consequence: missense variant.
Genome position (GRCh38, 1-based): chr3:155,168,545, G>A. VCF-style: chr3-155168545-G-A. GRCh37 (hg19) VCF-style: chr3-154886334-G-A.
Other names: c.1834G>A, p.Ala612Thr (NM_000902.5, NM_001354642.2, NM_001354643.1 and 2 more transcripts); short protein forms A612T.
Identifiers: ClinVar variation 1508109 (VCV001508109.6), dbSNP rs373479159, ClinGen allele CA2675646.